The following is an entry in ClinVar:

NM_001846.4(COL4A2):c.3015G>A (p.Leu1005=)

Gene: COL4A2 (collagen type IV alpha 2 chain; plus strand). Cytogenetic location: 13q34.
Variant type: single nucleotide variant.
Coding change: c.3015G>A on transcript NM_001846.4 (MANE Select); coding-DNA position 3015, G replaced by A.
Protein change: p.Leu1005=; no amino-acid change (leucine 1005 retained).
Molecular consequence: synonymous variant.
Genome position (GRCh38, 1-based): chr13:110,485,017, G>A. VCF-style: chr13-110485017-G-A. GRCh37 (hg19) VCF-style: chr13-111137364-G-A.
Other names: c.3015G>A (NM_001846.3).
Identifiers: ClinVar variation 3338921 (VCV003338921.3).

ClinVar aggregate classification (germline): Likely benign. Review status: criteria provided, multiple submitters, no conflicts (2 of 4 stars). 3 submissions from 3 submitters: Likely benign (3). Last evaluated 2025-07-30.

Conditions:
COL4A2-related disorder. Also called: COL4A2-related disorders; COL4A2-related condition.

gnomAD v4.1: 28 of 1,598,660 alleles (0.0018%); highest among the groups gnomAD compares: Middle Eastern, 0.017%; no homozygotes.

Submissions (3):

PreventionGenetics, part of Exact Sciences
Classification: Likely benign for COL4A2-related condition. Last evaluated: 2025-07-30. Review status: criteria provided, single submitter. Criteria: ACMG Guidelines, 2015. Collection method: clinical testing. Allele origin: germline.
Comment: This variant is classified as likely benign based on ACMG/AMP sequence variant interpretation guidelines (Richards et al. 2015 PMID: 25741868, with internal and published modifications).

Blueprint Genetics
Classification: Likely benign. Last evaluated: 2024-10-03. Review status: criteria provided, single submitter. Criteria: ACMG Guidelines, 2015. Collection method: clinical testing. Allele origin: germline.

Women's Health and Genetics/Laboratory Corporation of America, LabCorp
Classification: Likely benign. Last evaluated: 2024-07-12. Review status: criteria provided, single submitter. Criteria: LabCorp Variant Classification Summary - May 2015. Collection method: clinical testing. Allele origin: germline.
Comment: Variant summary: COL4A2 c.3015G>A alters a non-conserved nucleotide resulting in a synonymous change. Consensus agreement among computation tools predict no significant impact on normal splicing. However, these predictions have yet to be confirmed by functional studies. The variant allele was found at a frequency of 4.6e-05 in 238900 control chromosomes. This frequency is not significantly higher than estimated for a pathogenic variant in COL4A2 causing Porencephaly 2, allowing no conclusion about variant significance. To our knowledge, no occurrence of c.3015G>A in individuals affected with Porencephaly 2 and no experimental evidence demonstrating its impact on protein function have been reported. No submitters have cited clinical-significance assessments for this variant to ClinVar. Based on the evidence outlined above, the variant was classified as likely benign.